The following is an entry in ClinVar:

NM_015909.4(NBAS):c.2936A>G (p.Asp979Gly)

Gene: NBAS (NBAS subunit of NRZ tethering complex; minus strand). Cytogenetic location: 2p24.3.
Variant type: single nucleotide variant.
Coding change: c.2936A>G on transcript NM_015909.4 (MANE Select); coding-DNA position 2936, A replaced by G.
Protein change: p.Asp979Gly; replaces aspartic acid 979 with glycine.
Molecular consequence: missense variant. On other transcripts: non-coding transcript variant (1).
Genome position (GRCh38, 1-based): chr2:15,415,547, T>C on the plus strand (A>G on the coding strand, the complement: NBAS is on the minus strand). VCF-style: chr2-15415547-T-C. GRCh37 (hg19) VCF-style: chr2-15555671-T-C.
Other names: short protein forms D979G.
Identifiers: ClinVar variation 2413221 (VCV002413221.5), dbSNP rs776271105, ClinGen allele CA1536225.
Genomic context (GRCh38, chr2:15,415,547, plus strand): 5'-AAACCTAATACTGTAGGGGAAAAAGTGCCCAGAATTTTAAGAAGTTAGTTTCTACTTACA[T>C]CTGGTTTGGAATGCTGAAATATCTTCAGGGGAAATTTTAAGTCCCCTTTAGCTAAAGTTA-3'
Protein context (NP_056993.2, residues 969-989): PLKIFQHSKP[Asp979Gly]LQQKIIPDQD

ClinVar aggregate classification (germline): Uncertain significance (1 of 4 stars; one submission).

Allele frequency attached by ClinVar (database versions not stated): gnomAD 0.00001; ExAC 0.00002.
gnomAD v4.1: 29 of 1,613,842 alleles (0.0018%); highest among the groups gnomAD compares: Non-Finnish European, 0.0025%; no homozygotes.

Submission:

Labcorp Genetics (formerly Invitae), Labcorp
Classification: Uncertain significance. Last evaluated: 2024-09-22. Review status: criteria provided, single submitter. Criteria: Invitae Variant Classification Sherloc (09022015). Collection method: clinical testing. Allele origin: germline.
Comment: This sequence change replaces aspartic acid, which is acidic and polar, with glycine, which is neutral and non-polar, at codon 979 of the NBAS protein (p.Asp979Gly). This variant is present in population databases (rs776271105, gnomAD 0.004%). This variant has not been reported in the literature in individuals affected with NBAS-related conditions. ClinVar contains an entry for this variant (Variation ID: 2413221). An algorithm developed to predict the effect of missense changes on protein structure and function (PolyPhen-2) suggests that this variant is likely to be tolerated. In summary, the available evidence is currently insufficient to determine the role of this variant in disease. Therefore, it has been classified as a Variant of Uncertain Significance.